The following is an entry in ClinVar:

NM_000088.4(COL1A1):c.958-27T>G

Gene: COL1A1 (collagen type I alpha 1 chain; minus strand). Cytogenetic location: 17q21.33.
Variant type: single nucleotide variant.
Coding change: c.958-27T>G on transcript NM_000088.4 (MANE Select); 27 bases into the intron before coding-DNA position 958, T replaced by G.
Molecular consequence: intron variant.
Genome position (GRCh38, 1-based): chr17:50,196,226, A>C on the plus strand (T>G on the coding strand, the complement: COL1A1 is on the minus strand). VCF-style: chr17-50196226-A-C. GRCh37 (hg19) VCF-style: chr17-48273587-A-C.
Identifiers: ClinVar variation 3054541 (VCV003054541.2), dbSNP rs375561133, ClinGen allele CA8645468.

ClinVar aggregate classification (germline): Likely benign (0 of 4 stars; one submission).

Conditions:
COL1A1-related disorder. Also called: COL1A1- related disease; COL1A1-related condition.

Allele frequency attached by ClinVar (database versions not stated): 1000 Genomes Project 0.00020; ExAC 0.00027; gnomAD exomes 0.00007; 1000 Genomes Project 30x 0.00016; ESP Exome Variant Server 0.00069; gnomAD 0.00083; TOPMed 0.00087.
gnomAD v4.1: 249 of 1,613,852 alleles (0.015%); highest among the groups gnomAD compares: African/African-American, 0.29%; 2 homozygotes.

Submission:

PreventionGenetics, part of Exact Sciences
Classification: Likely benign for COL1A1-related condition. Last evaluated: 2020-12-08. Review status: no assertion criteria provided. Collection method: clinical testing. Allele origin: germline.
Comment: This variant is classified as likely benign based on ACMG/AMP sequence variant interpretation guidelines (Richards et al. 2015 PMID: 25741868, with internal and published modifications).